The following is an entry in ClinVar:

NM_001035.3(RYR2):c.7446C>A (p.Asp2482Glu)

Gene: RYR2 (ryanodine receptor 2; plus strand). Cytogenetic location: 1q43.
Variant type: single nucleotide variant.
Coding change: c.7446C>A on transcript NM_001035.3 (MANE Select); coding-DNA position 7446, C replaced by A.
Protein change: p.Asp2482Glu; replaces aspartic acid 2482 with glutamic acid.
Molecular consequence: missense variant.
Genome position (GRCh38, 1-based): chr1:237,648,547, C>A. VCF-style: chr1-237648547-C-A. GRCh37 (hg19) VCF-style: chr1-237811847-C-A.
Other names: short protein forms D2482E.
Identifiers: ClinVar variation 1317293 (VCV001317293.2), dbSNP rs2148789910, ClinGen allele CA345398457.

ClinVar aggregate classification (germline): Uncertain significance (1 of 4 stars; one submission).

Submission:

GeneDx
Classification: Uncertain significance. Last evaluated: 2020-07-13. Review status: criteria provided, single submitter. Criteria: GeneDx Variant Classification Process June 2021. Collection method: clinical testing. Allele origin: germline. Affected: yes.
Comment: Not observed in large population cohorts (Lek et al., 2016); In silico analysis supports that this missense variant does not alter protein structure/function; Has not been previously published as pathogenic or benign to our knowledge